The following is an entry in ClinVar:

NM_004958.4(MTOR):c.5941A>G (p.Lys1981Glu)

Gene: MTOR (mechanistic target of rapamycin kinase; minus strand). Cytogenetic location: 1p36.22.
Variant type: single nucleotide variant.
Coding change: c.5941A>G on transcript NM_004958.4 (MANE Select); coding-DNA position 5941, A replaced by G.
Protein change: p.Lys1981Glu; replaces lysine 1981 with glutamic acid.
Molecular consequence: missense variant.
Genome position (GRCh38, 1-based): chr1:11,128,096, T>C on the plus strand (A>G on the coding strand, the complement: MTOR is on the minus strand). VCF-style: chr1-11128096-T-C. GRCh37 (hg19) VCF-style: chr1-11188153-T-C.
Other names: c.5941A>G, p.Lys1981Glu (NM_001386500.1); c.4693A>G, p.Lys1565Glu (NM_001386501.1); short protein forms K1565E, K1981E.
Identifiers: ClinVar variation 2116617 (VCV002116617.4), dbSNP rs1642935291, ClinGen allele CA338394626.

ClinVar aggregate classification (germline): Uncertain significance (1 of 4 stars; one submission).

Submission:

Labcorp Genetics (formerly Invitae), Labcorp
Classification: Uncertain significance. Last evaluated: 2022-03-24. Review status: criteria provided, single submitter. Criteria: Invitae Variant Classification Sherloc (09022015). Collection method: clinical testing. Allele origin: germline.
Comment: This sequence change replaces lysine, which is basic and polar, with glutamic acid, which is acidic and polar, at codon 1981 of the MTOR protein (p.Lys1981Glu). This variant is not present in population databases (gnomAD no frequency). This variant has not been reported in the literature in individuals affected with MTOR-related conditions. Advanced modeling of protein sequence and biophysical properties (such as structural, functional, and spatial information, amino acid conservation, physicochemical variation, residue mobility, and thermodynamic stability) performed at Invitae indicates that this missense variant is expected to disrupt MTOR protein function. In summary, the available evidence is currently insufficient to determine the role of this variant in disease. Therefore, it has been classified as a Variant of Uncertain Significance.